The following is an entry in ClinVar:

NM_001395656.1(ROBO2):c.668-6T>C

Gene: ROBO2 (roundabout guidance receptor 2; plus strand). Cytogenetic location: 3p12.3.
Variant type: single nucleotide variant.
Coding change: c.668-6T>C on transcript NM_001395656.1 (MANE Select); 6 bases into the intron before coding-DNA position 668, T replaced by C.
Molecular consequence: intron variant.
Genome position (GRCh38, 1-based): chr3:77,493,238, T>C. VCF-style: chr3-77493238-T-C. GRCh37 (hg19) VCF-style: chr3-77542389-T-C.
Other names: c.716-6T>C (NM_001378191.1, NM_001378195.1, NM_001378196.1 and 5 more transcripts); c.737-6T>C (NM_001394213.1, NM_001378192.1, NM_001378198.1 and 5 more transcripts); c.668-6T>C (NM_001290040.2, NM_001290039.2, NM_001378202.1 and 3 more transcripts); c.-1251-6T>C (NM_001290065.2).
Identifiers: ClinVar variation 3043225 (VCV003043225.2), dbSNP rs762283942, ClinGen allele CA2496806.

ClinVar aggregate classification (germline): Likely benign (0 of 4 stars; one submission).

Conditions:
ROBO2-related disorder. Also called: ROBO2-related condition.

Allele frequency attached by ClinVar (database versions not stated): ExAC 0.00002; gnomAD exomes 0.00002; gnomAD 0.00003; TOPMed 0.00003.
gnomAD v4.1: 37 of 1,613,734 alleles (0.0023%); highest among the groups gnomAD compares: Non-Finnish European, 0.003%; no homozygotes.

Submission:

PreventionGenetics, part of Exact Sciences
Classification: Likely benign for ROBO2-related condition. Last evaluated: 2022-11-28. Review status: no assertion criteria provided. Collection method: clinical testing. Allele origin: germline.
Comment: This variant is classified as likely benign based on ACMG/AMP sequence variant interpretation guidelines (Richards et al. 2015 PMID: 25741868, with internal and published modifications).